The following is an entry in ClinVar:

ClinVar aggregate classification (germline): Uncertain significance (1 of 4 stars; one submission).

Conditions:
Fanconi anemia (FA). Also called: Fanconi's anemia. Identifiers: Orphanet 84, MedGen C0015625, MeSH D005199, MONDO:0019391.

Submission:

Labcorp Genetics (formerly Invitae), Labcorp
Classification: Uncertain significance for Fanconi anemia. Last evaluated: 2023-08-22. Review status: criteria provided, single submitter. Criteria: Invitae Variant Classification Sherloc (09022015). Collection method: clinical testing. Allele origin: germline.
Comment: In summary, the available evidence is currently insufficient to determine the role of this variant in disease. Therefore, it has been classified as a Variant of Uncertain Significance. An algorithm developed to predict the effect of missense changes on protein structure and function (PolyPhen-2) suggests that this variant is likely to be tolerated. This variant has not been reported in the literature in individuals affected with FANCM-related conditions. This variant is not present in population databases (gnomAD no frequency). This sequence change replaces lysine, which is basic and polar, with arginine, which is basic and polar, at codon 898 of the FANCM protein (p.Lys898Arg).

NM_020937.4(FANCM):c.2693A>G (p.Lys898Arg)

Gene: FANCM (FA complementation group M; plus strand). Cytogenetic location: 14q21.2.
Variant type: single nucleotide variant.
Coding change: c.2693A>G on transcript NM_020937.4 (MANE Select); coding-DNA position 2693, A replaced by G.
Protein change: p.Lys898Arg; replaces lysine 898 with arginine.
Molecular consequence: missense variant.
Genome position (GRCh38, 1-based): chr14:45,175,447, A>G. VCF-style: chr14-45175447-A-G. GRCh37 (hg19) VCF-style: chr14-45644650-A-G.
Other names: c.2615A>G, p.Lys872Arg (NM_001308133.2); short protein forms K872R, K898R.
Identifiers: ClinVar variation 2729702 (VCV002729702.3), dbSNP rs2503183178, ClinGen allele CA389598416.